The following is an entry in ClinVar:

ClinVar aggregate classification (germline): Pathogenic (1 of 4 stars; one submission).

Conditions:
X-linked agammaglobulinemia with growth hormone deficiency (IGHD3). Also called: AGAMMAGLOBULINEMIA AND ISOLATED GROWTH HORMONE DEFICIENCY, X-LINKED; Isolated growth hormone deficiency type 3; Growth hormone deficiency with hypogammaglobulinemia; FLEISHER SYNDROME; HYPOGAMMAGLOBULINEMIA AND ISOLATED GROWTH HORMONE DEFICIENCY, X-LINKED; IGHD III. Identifiers: Orphanet 231692, Orphanet 631, MedGen C0472813, MONDO:0010615, OMIM 307200.

Submission:

Labcorp Genetics (formerly Invitae), Labcorp
Classification: Pathogenic for X-linked agammaglobulinemia with growth hormone deficiency. Last evaluated: 2022-11-01. Review status: criteria provided, single submitter. Criteria: Invitae Variant Classification Sherloc (09022015). Collection method: clinical testing. Allele origin: germline.
Comment: For these reasons, this variant has been classified as Pathogenic. ClinVar contains an entry for this variant (Variation ID: 957384). This premature translational stop signal has been observed in individual(s) with X-linked agammaglobulinemia (PMID: 9545398). This variant is not present in population databases (gnomAD no frequency). This sequence change creates a premature translational stop signal (p.Gln166*) in the BTK gene. It is expected to result in an absent or disrupted protein product. Loss-of-function variants in BTK are known to be pathogenic (PMID: 15661032, 16862044, 19419768).

Literature cited by the submitters: PubMed 9545398; PubMed 15661032; PubMed 16862044; PubMed 19419768.

NM_000061.3(BTK):c.496C>T (p.Gln166Ter)

Gene: BTK (Bruton tyrosine kinase; minus strand). Cytogenetic location: Xq22.1.
Variant type: single nucleotide variant.
Coding change: c.496C>T on transcript NM_000061.3 (MANE Select); coding-DNA position 496, C replaced by T.
Protein change: p.Gln166Ter; replaces glutamine 166 with a stop codon.
Molecular consequence: nonsense.
Genome position (GRCh38, 1-based): chrX:101,362,585, G>A on the plus strand (C>T on the coding strand, the complement: BTK is on the minus strand). VCF-style: chrX-101362585-G-A. GRCh37 (hg19) VCF-style: chrX-100617573-G-A.
Other names: c.598C>T, p.Gln200Ter (NM_001287344.2); c.496C>T, p.Gln166Ter (NM_001287345.2); short protein forms Q166*, Q200*.
Identifiers: ClinVar variation 957384 (VCV000957384.10), dbSNP rs1926708861, ClinGen allele CA413935049.
Genomic context (GRCh38, chrX:101,362,585, plus strand): 5'-AAAGGAGAAAGAAATTATATCGATCAGATTGCTTACTTCCATTCCTGTTCTCCAAAATTT[G>A]GCAGCCCATAGCATTTTTGGCTGTCTGAGAGCAGCAGAGATACTGCCCATCGATCCAGAA-3'